The following is an entry in ClinVar:

ClinVar aggregate classification (germline): Conflicting classifications of pathogenicity. Review status: criteria provided, conflicting classifications (1 of 4 stars). 5 submissions from 5 submitters: Uncertain significance (2); Benign (1); Likely benign (2). Last evaluated 2026-07-01.

Allele frequency attached by ClinVar (database versions not stated): 1000 Genomes Project 30x 0.00016; 1000 Genomes Project 0.00020; TOPMed 0.00085; gnomAD 0.00089 and 0.00090; ESP Exome Variant Server 0.00092; gnomAD exomes 0.00093 and 0.00128; ExAC 0.00102.

Submissions (5):

CeGaT Center for Human Genetics Tuebingen
Classification: Likely benign. Last evaluated: 2026-07-01. Review status: criteria provided, single submitter. Criteria: CeGaT Center For Human Genetics Tuebingen Variant Classification Criteria Version 2. Collection method: clinical testing. Allele origin: germline. Affected: yes. Observed: 6 variant alleles.
Comment: SPTBN2: BP4

Women's Health and Genetics/Laboratory Corporation of America, LabCorp
Classification: Uncertain significance. Last evaluated: 2026-04-03. Review status: criteria provided, single submitter. Criteria: LabCorp Variant Classification Summary - May 2015. Collection method: clinical testing. Allele origin: germline.
Comment: Variant summary: SPTBN2 c.6797C>T (p.Ala2266Val) results in a non-conservative amino acid change in the encoded protein sequence. Algorithms developed to predict the effect of missense changes on protein structure and function are either unavailable or do not agree on the potential impact of this missense change. The variant allele was found at a frequency of 0.00093 in 251314 control chromosomes. This frequency is not significantly higher than estimated for disease-causing variants in SPTBN2, allowing no conclusion about variant significance. To our knowledge, no occurrence of c.6797C>T in individuals affected with SPTBN2-related conditions and no experimental evidence demonstrating its impact on protein function have been reported. ClinVar contains an entry for this variant (Variation ID: 305526). Based on the evidence outlined above, the variant was classified as uncertain significance.

Labcorp Genetics (formerly Invitae), Labcorp
Classification: Likely benign. Last evaluated: 2026-01-26. Review status: criteria provided, single submitter. Criteria: Invitae Variant Classification Sherloc (09022015). Collection method: clinical testing. Allele origin: germline.

GeneDx
Classification: Uncertain significance. Last evaluated: 2021-11-02. Review status: criteria provided, single submitter. Criteria: GeneDx Variant Classification Process June 2021. Collection method: clinical testing. Allele origin: germline. Affected: yes.
Comment: In silico analysis supports that this missense variant does not alter protein structure/function; Has not been previously published as pathogenic or benign to our knowledge

Athena Diagnostics
Classification: Benign. Last evaluated: 2021-04-13. Review status: criteria provided, single submitter. Criteria: Athena Diagnostics criteria. Collection method: clinical testing. Allele origin: unknown.

NM_006946.4(SPTBN2):c.6797C>T (p.Ala2266Val)

Gene: SPTBN2 (spectrin beta, non-erythrocytic 2; minus strand). Cytogenetic location: 11q13.2.
Variant type: single nucleotide variant.
Coding change: c.6797C>T on transcript NM_006946.4 (MANE Select); coding-DNA position 6797, C replaced by T.
Protein change: p.Ala2266Val; replaces alanine 2266 with valine.
Molecular consequence: missense variant.
Genome position (GRCh38, 1-based): chr11:66,687,093, G>A on the plus strand (C>T on the coding strand, the complement: SPTBN2 is on the minus strand). VCF-style: chr11-66687093-G-A. GRCh37 (hg19) VCF-style: chr11-66454564-G-A.
Other names: short protein forms A2266V.
Identifiers: ClinVar variation 305526 (VCV000305526.54), dbSNP rs145891813, ClinGen allele CA6127787.